The following is an entry in ClinVar:

NM_000282.4(PCCA):c.2129_2130del (p.Val710fs)

Gene: PCCA (propionyl-CoA carboxylase subunit alpha; plus strand). Cytogenetic location: 13q32.3.
Variant type: Microsatellite.
Coding change: c.2129_2130del on transcript NM_000282.4 (MANE Select); coding-DNA positions 2129 to 2130, 2 bases deleted (TG; older notation c.2129_2130delTG).
Protein change: p.Val710fs; shifts the reading frame from valine 710.
Molecular consequence: frameshift variant. On other transcripts: non-coding transcript variant (5).
Genome position (GRCh38, 1-based): chr13:100,530,108-100,530,109, TG deleted; deleting any 2 consecutive bases within chr13:100,530,106-100,530,109 gives the same sequence; the c. name uses the placement nearest the transcript's 3' end. VCF-style (leftmost placement, unchanged base first): chr13-100530105-CTG-C. GRCh37 (hg19) VCF-style: chr13-101182359-CTG-C.
Other names: c.1184_1185del, p.Val395fs (NM_001352610.2); c.1130_1131del, p.Val377fs (NM_001352611.2); c.1040_1041del, p.Val347fs (NM_001352612.2); c.2051_2052del, p.Val684fs (NM_001127692.3); c.1988_1989del, p.Val663fs (NM_001178004.2); c.2075_2076del, p.Val692fs (NM_001352605.2); c.1985_1986del, p.Val662fs (NM_001352606.2); c.1910_1911del, p.Val637fs (NM_001352607.2); and 1 more; short protein forms V347fs, V662fs, V395fs, V637fs, V377fs, V636fs, V663fs, V684fs.
Identifiers: ClinVar variation 618775 (VCV000618775.16), dbSNP rs1317003529, ClinGen allele CA611941251.
Genomic context (GRCh38, chr13:100,530,105, plus strand): 5'-TTCTGGTTACTAATTCTTACTCTCCCCTCCCCCTGCATTTTTCAAAATTCAAGGTGAAAT[CTG>C]TGCACTGTCAAGCTGGAGACACAGTTGGAGAAGGGGATCTGCTCGTGGAGCTGGAATGAA-3'

ClinVar aggregate classification (germline): Pathogenic/Likely pathogenic. Review status: criteria provided, multiple submitters, no conflicts (2 of 4 stars). 3 submissions from 3 submitters: Pathogenic (1); Likely pathogenic (2). Last evaluated 2026-01-23.

Conditions:
Propionic acidemia (PROP). Also called: GLYCINEMIA, KETOTIC; HYPERGLYCINEMIA WITH KETOACIDOSIS AND LEUKOPENIA; KETOTIC HYPERGLYCINEMIA. Identifiers: Orphanet 35, MedGen C0268579, MONDO:0011628, OMIM 606054, HP:0003571.

Submissions (3):

3billion
Classification: Likely pathogenic for Propionic acidemia. Last evaluated: 2026-01-23. Review status: criteria provided, single submitter. Criteria: ACMG Guidelines, 2015. Collection method: clinical testing. Allele origin: germline. Affected: yes.
Comment: The variant is observed at an extremely low frequency in the gnomAD v4.1.0 dataset (total allele frequency: <0.001%). Predicted Consequence/Location: Frameshift: predicted to result in a loss or disruption of normal protein function through protein truncation. The predicted truncated protein may be shortened by less than 10%. The variant has been reported at least twice as pathogenic without evidence for the classification (ClinVar ID: VCV000618775). Therefore, this variant is classified as Likely pathogenic according to the recommendation of ACMG/AMP guideline.

Labcorp Genetics (formerly Invitae), Labcorp
Classification: Pathogenic for Propionic acidemia. Last evaluated: 2024-11-18. Review status: criteria provided, single submitter. Criteria: Invitae Variant Classification Sherloc (09022015). Collection method: clinical testing. Allele origin: germline.
Comment: This sequence change creates a premature translational stop signal (p.Val710Alafs*23) in the PCCA gene. While this is not anticipated to result in nonsense mediated decay, it is expected to disrupt the last 19 amino acid(s) of the PCCA protein. This variant is present in population databases (no rsID available, gnomAD 0.01%). This premature translational stop signal has been observed in individual(s) with propionic acidemia (internal data). In at least one individual the data is consistent with being in trans (on the opposite chromosome) from a pathogenic variant. ClinVar contains an entry for this variant (Variation ID: 618775). Experimental studies and prediction algorithms are not available or were not evaluated, and the functional significance of this variant is currently unknown. This variant disrupts a region of the PCCA protein in which other variant(s) (p.Cys712del) have been observed in individuals with PCCA-related conditions (PMID: 10329019). This suggests that this is a clinically significant region of the protein, and that variants that disrupt it are likely to be disease-causing. For these reasons, this variant has been classified as Pathogenic.

ARUP Laboratories, Molecular Genetics and Genomics, ARUP Laboratories
Classification: Likely pathogenic. Last evaluated: 2018-02-20. Review status: criteria provided, single submitter. Criteria: ARUP Molecular Germline Variant Investigation Process. Collection method: clinical testing. Allele origin: germline.
Comment: The c.2129_2130delTG variant has not been reported in the medical literature, gene specific variation databases, nor has it been previously identified by our laboratory. Nearby variants (c.2127delT and c.2133_2135delCTG) have been reported in patients with propionic acidemia and biochemically demonstrated to disrupt enzyme function (Campeau 1999 and Riemersma 2017). The c.2129_2130delTG variant creates a frameshift at codon 710 of the last exon (24 of 24) of the PCCA gene. This variant is in the biotin carboxyl carrier protein domain of PCCA, and is predicted to create a frameshifted, C-terminally extended polypeptide. It is listed in the Genome Aggregation Database (gnomAD) with a frequency of 0.01 percent in the Latino population (identified on 5 out of 33,582 chromosomes). Overall, the c.2129_2130delTG variant is considered to be likely pathogenic.

Literature cited by the submitters: PubMed 10329019 (cited by Labcorp Genetics (formerly Invitae), Labcorp).